The following is an entry in ClinVar:

ClinVar aggregate classification (germline): Uncertain significance. Review status: criteria provided, multiple submitters, no conflicts (2 of 4 stars). 2 submissions from 2 submitters: Uncertain significance (2). Last evaluated 2025-10-22.

Conditions:
Ataxia-telangiectasia-like disorder (ATLD). Identifiers: MedGen C1858391, MONDO:0011457.
Hereditary cancer-predisposing syndrome. Also called: Hereditary Cancer Syndrome; Neoplastic Syndromes, Hereditary; Tumor predisposition; Hereditary neoplastic syndrome. Identifiers: Orphanet 140162, MedGen C0027672, MeSH D009386, MONDO:0015356.

Allele frequency attached by ClinVar (database versions not stated): gnomAD 0.00001; TOPMed 0.00001.
gnomAD v4.1: 19 of 1,613,498 alleles (0.0012%); highest among the groups gnomAD compares: Middle Eastern, 0.017%; no homozygotes.

Submissions (2):

Ambry Genetics
Classification: Uncertain significance for Hereditary cancer-predisposing syndrome. Last evaluated: 2025-10-22. Review status: criteria provided, single submitter. Criteria: Ambry Variant Classification Scheme 2023. Collection method: clinical testing. Allele origin: germline.
Comment: The p.V684L variant (also known as c.2050G>C), located in coding exon 18 of the MRE11A gene, results from a G to C substitution at nucleotide position 2050. The valine at codon 684 is replaced by leucine, an amino acid with highly similar properties. This amino acid position is highly conserved in available vertebrate species. In addition, this alteration is predicted to be tolerated by in silico analysis. Since supporting evidence is limited at this time, the clinical significance of this alteration remains unclear.

Labcorp Genetics (formerly Invitae), Labcorp
Classification: Uncertain significance for Ataxia-telangiectasia-like disorder. Last evaluated: 2023-07-25. Review status: criteria provided, single submitter. Criteria: Invitae Variant Classification Sherloc (09022015). Collection method: clinical testing. Allele origin: germline.
Comment: This sequence change replaces valine, which is neutral and non-polar, with leucine, which is neutral and non-polar, at codon 684 of the MRE11 protein (p.Val684Leu). In summary, the available evidence is currently insufficient to determine the role of this variant in disease. Therefore, it has been classified as a Variant of Uncertain Significance. An algorithm developed to predict the effect of missense changes on protein structure and function (PolyPhen-2) suggests that this variant¬†is likely to be tolerated. ClinVar contains an entry for this variant (Variation ID: 479727). This variant has not been reported in the literature in individuals affected with MRE11-related conditions. This variant is present in population databases (rs765958437, gnomAD 0.004%).

NM_005591.4(MRE11):c.2050G>C (p.Val684Leu)

Gene: MRE11 (MRE11 double strand break repair nuclease; minus strand). Cytogenetic location: 11q21.
Variant type: single nucleotide variant.
Coding change: c.2050G>C on transcript NM_005591.4 (MANE Select); coding-DNA position 2050, G replaced by C.
Protein change: p.Val684Leu; replaces valine 684 with leucine.
Molecular consequence: missense variant.
Genome position (GRCh38, 1-based): chr11:94,429,931, C>G on the plus strand (G>C on the coding strand, the complement: MRE11 is on the minus strand). VCF-style: chr11-94429931-C-G. GRCh37 (hg19) VCF-style: chr11-94163097-C-G.
Other names: c.2047G>C, p.Val683Leu (NM_001330347.2); c.1966G>C, p.Val656Leu (NM_005590.4); short protein forms V684L, V683L, V656L.
Identifiers: ClinVar variation 479727 (VCV000479727.14), dbSNP rs765958437, ClinGen allele CA6234910.